The following is an entry in ClinVar:

ClinVar aggregate classification (germline): Benign. Review status: criteria provided, multiple submitters, no conflicts (2 of 4 stars). 8 submissions from 8 submitters: Benign (7). 1 of the submissions does not count toward it. Last evaluated 2026-02-03.

Conditions:
Inborn genetic diseases. Identifiers: MedGen C0950123, MeSH D030342.
Hereditary spastic paraplegia 47. Also called: adaptor protein 4 (AP-4) deficiency syndrome; Spastic paraplegia 47, autosomal recessive; CEREBRAL PALSY, SPASTIC QUADRIPLEGIC, 5. Identifiers: Orphanet 280763, MedGen C3279738, MONDO:0013551, OMIM 614066.

Allele frequency attached by ClinVar (database versions not stated): 1000 Genomes Project 30x 0.12008; 1000 Genomes Project 0.12240; TOPMed 0.14957; ESP Exome Variant Server 0.15777; gnomAD 0.15901 and 0.16017; ExAC 0.16429; gnomAD exomes 0.16594 and 0.17868.

Submissions (18):

Labcorp Genetics (formerly Invitae), Labcorp
Classification: Benign for Hereditary spastic paraplegia 47. Last evaluated: 2026-02-03. Review status: criteria provided, single submitter. Criteria: Invitae Variant Classification Sherloc (09022015). Collection method: clinical testing. Allele origin: germline.

Blueprint Genetics
Classification: Benign. Last evaluated: 2024-11-26. Review status: criteria provided, single submitter. Criteria: ACMG Guidelines, 2015. Collection method: clinical testing. Allele origin: germline.

Genome-Nilou Lab
Classification: Benign for Hereditary spastic paraplegia 47. Last evaluated: 2021-05-18. Review status: criteria provided, single submitter. Criteria: ACMG Guidelines, 2015. Collection method: clinical testing. Allele origin: germline. Affected: no.

Mayo Clinic Laboratories, Mayo Clinic
Classification: Benign. Last evaluated: 2017-07-24. Review status: criteria provided, single submitter. Criteria: ACMG Guidelines, 2015. Collection method: clinical testing. Allele origin: germline. Observed: 285 variant alleles.

GeneDx
Classification: Benign. Last evaluated: 2016-04-04. Review status: criteria provided, single submitter. Criteria: GeneDx Variant Classification (06012015). Collection method: clinical testing. Allele origin: germline. Affected: yes.
Comment: This variant is considered likely benign or benign based on one or more of the following criteria: it is a conservative change, it occurs at a poorly conserved position in the protein, it is predicted to be benign by multiple in silico algorithms, and/or has population frequency not consistent with disease.

Ambry Genetics
Classification: Benign for Inborn genetic diseases. Last evaluated: 2016-03-23. Review status: criteria provided, single submitter. Criteria: Ambry Variant Classification Scheme 2023. Collection method: clinical testing. Allele origin: germline.

Breakthrough Genomics
Classification: Benign. Review status: criteria provided, single submitter. Criteria: ACMG Guidelines, 2015. Collection method: not provided. Allele origin: germline. Inheritance: Autosomal recessive inheritance. Affected: yes.

Dr. Peter K. Rogan Lab, Western University
No classification provided (evidence only). Condition: Malignant lymphoma, large B-cell, diffuse. Review status: no classification provided. Collection method: in vitro. Allele origin: not applicable. Functional consequence: retained intron. Not counted in ClinVar's aggregate classification.

Dr. Peter K. Rogan Lab, Western University
No classification provided (evidence only). Condition: Malignant lymphoma, large B-cell, diffuse. Review status: no classification provided. Collection method: in vitro. Allele origin: not applicable. Functional consequence: retained intron. Not counted in ClinVar's aggregate classification.

Dr. Peter K. Rogan Lab, Western University
No classification provided (evidence only). Condition: Malignant lymphoma, large B-cell, diffuse. Review status: no classification provided. Collection method: in vitro. Allele origin: not applicable. Functional consequence: retained intron. Not counted in ClinVar's aggregate classification.

Dr. Peter K. Rogan Lab, Western University
No classification provided (evidence only). Condition: Adrenocortical carcinoma, hereditary. Review status: no classification provided. Collection method: in vitro. Allele origin: not applicable. Functional consequence: skipped exon. Not counted in ClinVar's aggregate classification.

Dr. Peter K. Rogan Lab, Western University
No classification provided (evidence only). Condition: Adrenocortical carcinoma, hereditary. Review status: no classification provided. Collection method: in vitro. Allele origin: not applicable. Functional consequence: retained intron. Not counted in ClinVar's aggregate classification.

Dr. Peter K. Rogan Lab, Western University
No classification provided (evidence only). Condition: Malignant lymphoma, large B-cell, diffuse. Review status: no classification provided. Collection method: in vitro. Allele origin: not applicable. Functional consequence: retained intron. Not counted in ClinVar's aggregate classification.

Dr. Peter K. Rogan Lab, Western University
No classification provided (evidence only). Condition: Uterine carcinosarcoma. Review status: no classification provided. Collection method: in vitro. Allele origin: not applicable. Functional consequence: retained intron. Not counted in ClinVar's aggregate classification.

Dr. Peter K. Rogan Lab, Western University
No classification provided (evidence only). Condition: Uterine carcinosarcoma. Review status: no classification provided. Collection method: in vitro. Allele origin: not applicable. Functional consequence: retained intron. Not counted in ClinVar's aggregate classification.

Dr. Peter K. Rogan Lab, Western University
No classification provided (evidence only). Condition: Malignant lymphoma, large B-cell, diffuse. Review status: no classification provided. Collection method: in vitro. Allele origin: not applicable. Functional consequence: retained intron. Not counted in ClinVar's aggregate classification.

Dr. Peter K. Rogan Lab, Western University
No classification provided (evidence only). Condition: Malignant lymphoma, large B-cell, diffuse. Review status: no classification provided. Collection method: in vitro. Allele origin: not applicable. Functional consequence: retained intron. Not counted in ClinVar's aggregate classification.

Genetic Services Laboratory, University of Chicago
Classification: Likely benign. Review status: no assertion criteria provided. Collection method: clinical testing. Allele origin: germline. Inheritance: Autosomal recessive inheritance. Not counted in ClinVar's aggregate classification.
Comment: Likely benign based on allele frequency in 1000 Genomes Project or ESP global frequency and its presence in a patient with a rare or unrelated disease phenotype. NOT Sanger confirmed

NM_001253852.3(AP4B1):c.576C>T (p.Gly192=)

Gene: AP4B1 (adaptor related protein complex 4 subunit beta 1; minus strand). Cytogenetic location: 1p13.2.
Variant type: single nucleotide variant.
Coding change: c.576C>T on transcript NM_001253852.3 (MANE Select); coding-DNA position 576, C replaced by T.
Protein change: p.Gly192=; no amino-acid change (glycine 192 retained).
Molecular consequence: synonymous variant. On other transcripts: intron variant (1).
Genome position (GRCh38, 1-based): chr1:113,901,277, G>A on the plus strand (C>T on the coding strand, the complement: AP4B1 is on the minus strand). VCF-style: chr1-113901277-G-A. GRCh37 (hg19) VCF-style: chr1-114443899-G-A.
Other names: p.Gly192=; c.279C>T, p.Gly93= (NM_001253853.3); c.576C>T, p.Gly192= (NM_006594.5); c.114-877C>T (NM_001308312.2).
Identifiers: ClinVar variation 157723 (VCV000157723.26), dbSNP rs17464525, ClinGen allele CA171115.